The following is an entry in ClinVar:

NM_014625.4(NPHS2):c.738+1G>T

Gene: NPHS2 (NPHS2 stomatin family member, podocin; minus strand). Cytogenetic location: 1q25.2.
Variant type: single nucleotide variant.
Coding change: c.738+1G>T on transcript NM_014625.4 (MANE Select); the canonical splice donor site of the intron after coding-DNA position 738, G replaced by T.
Molecular consequence: splice donor variant. On other transcripts: intron variant (1).
Genome position (GRCh38, 1-based): chr1:179,557,026, C>A on the plus strand (G>T on the coding strand, the complement: NPHS2 is on the minus strand). VCF-style: chr1-179557026-C-A. GRCh37 (hg19) VCF-style: chr1-179526161-C-A.
Other names: c.535-2495G>T (NM_001297575.2).
Identifiers: ClinVar variation 2768677 (VCV002768677.3), dbSNP rs1673954981, ClinGen allele CA343567353.

ClinVar aggregate classification (germline): Likely pathogenic (1 of 4 stars; one submission).

Submission:

Labcorp Genetics (formerly Invitae), Labcorp
Classification: Likely pathogenic. Last evaluated: 2023-10-15. Review status: criteria provided, single submitter. Criteria: Invitae Variant Classification Sherloc (09022015). Collection method: clinical testing. Allele origin: germline.
Comment: This sequence change affects a donor splice site in intron 5 of the NPHS2 gene. It is expected to disrupt RNA splicing. Variants that disrupt the donor or acceptor splice site typically lead to a loss of protein function (PMID: 16199547), and loss-of-function variants in NPHS2 are known to be pathogenic (PMID: 10742096, 14701729, 15253708, 23595123). This variant is not present in population databases (gnomAD no frequency). This variant has not been reported in the literature in individuals affected with NPHS2-related conditions. Algorithms developed to predict the effect of sequence changes on RNA splicing suggest that this variant may disrupt the consensus splice site. In summary, the currently available evidence indicates that the variant is pathogenic, but additional data are needed to prove that conclusively. Therefore, this variant has been classified as Likely Pathogenic.

Literature cited by the submitters: PubMed 16199547; PubMed 10742096; PubMed 14701729; PubMed 15253708; PubMed 23595123.